The following is an entry in ClinVar:

NM_013266.4(CTNNA3):c.1952T>C (p.Ile651Thr)

Genes: CTNNA3 (catenin alpha 3; minus strand), CTNNA3-AS1 (CTNNA3 antisense RNA 1; plus strand). Cytogenetic location: 10q21.3.
Variant type: single nucleotide variant.
Coding change: c.1952T>C on transcript NM_013266.4 (MANE Select); coding-DNA position 1952, T replaced by C.
Protein change: p.Ile651Thr; replaces isoleucine 651 with threonine.
Molecular consequence: missense variant.
Genome position (GRCh38, 1-based): chr10:66,103,182, A>G on the plus strand (T>C on the coding strand, the complement: CTNNA3 is on the minus strand). VCF-style: chr10-66103182-A-G. GRCh37 (hg19) VCF-style: chr10-67862940-A-G.
Other names: c.1952T>C, p.Ile651Thr (NM_001127384.3); short protein forms I651T.
Identifiers: ClinVar variation 1783260 (VCV001783260.2), dbSNP rs2493340765, ClinGen allele CA377090685.
Genomic context (GRCh38, chr10:66,103,182, plus strand): 5'-AGTACATGGTTCTCCCACCAGTTGAAGTGACATACCCTATCAGTTTTCCCTTCGGTCTGA[A>G]TGCTGGTGTGACTGCGGACCTCGTGTTCCTCTTCAAGGTCAGAAACATCCTCCAGTTCCT-3'
Protein context (NP_037398.2, residues 641-661): EEHEVRSHTS[Ile651Thr]QTEGKTDRAK

ClinVar aggregate classification (germline): Uncertain significance (1 of 4 stars; one submission).

Submission:

Ambry Genetics
Classification: Uncertain significance. Last evaluated: 2022-08-27. Review status: criteria provided, single submitter. Criteria: Ambry Variant Classification Scheme 2023. Collection method: clinical testing. Allele origin: germline.
Comment: The p.I651T variant (also known as c.1952T>C), located in coding exon 13 of the CTNNA3 gene, results from a T to C substitution at nucleotide position 1952. The isoleucine at codon 651 is replaced by threonine, an amino acid with similar properties. This amino acid position is conserved. In addition, this alteration is predicted to be tolerated by in silico analysis. Since supporting evidence is limited at this time, the clinical significance of this alteration remains unclear.